The following is an entry in ClinVar:

ClinVar aggregate classification (germline): Uncertain significance (1 of 4 stars; one submission).

Conditions:
Hereditary cancer-predisposing syndrome. Also called: Tumor predisposition; Hereditary Cancer Syndrome; Hereditary neoplastic syndrome; Neoplastic Syndromes, Hereditary. Identifiers: Orphanet 140162, MedGen C0027672, MeSH D009386, MONDO:0015356.

Submission:

Ambry Genetics
Classification: Uncertain significance for Hereditary cancer-predisposing syndrome. Last evaluated: 2025-12-17. Review status: criteria provided, single submitter. Criteria: Ambry Variant Classification Scheme 2023. Collection method: clinical testing. Allele origin: germline.
Comment: The p.R568S variant (also known as c.1704G>T), located in coding exon 15 of the NF2 gene, results from a G to T substitution at nucleotide position 1704. The arginine at codon 568 is replaced by serine, an amino acid with dissimilar properties. This amino acid position is not well conserved in available vertebrate species. In addition, the in silico prediction for this alteration is inconclusive. Based on the available evidence, the clinical significance of this variant remains unclear.

NM_000268.4(NF2):c.1704G>T (p.Arg568Ser)

Gene: NF2 (NF2, moesin-ezrin-radixin like (MERLIN) tumor suppressor; plus strand). Cytogenetic location: 22q12.2.
Variant type: single nucleotide variant.
Coding change: c.1704G>T on transcript NM_000268.4 (MANE Select); coding-DNA position 1704, G replaced by T.
Protein change: p.Arg568Ser; replaces arginine 568 with serine.
Molecular consequence: missense variant. On other transcripts: non-coding transcript variant (1), intron variant (1).
Genome position (GRCh38, 1-based): chr22:29,681,568, G>T. VCF-style: chr22-29681568-G-T. GRCh37 (hg19) VCF-style: chr22-30077557-G-T.
Other names: c.1590G>T, p.Arg530Ser (NM_001407053.1, NM_001407056.1); c.1581G>T, p.Arg527Ser (NM_001407054.1, NM_001407058.1, NM_181829.3); c.1578G>T, p.Arg526Ser (NM_001407055.1, NM_181828.3); c.1569G>T, p.Arg523Ser (NM_001407057.1, NM_001407059.1); c.1446G>T, p.Arg482Ser (NM_001407062.1); c.1455G>T, p.Arg485Ser (NM_001407063.1, NM_181830.3, NM_181831.3); c.1170G>T, p.Arg390Ser (NM_001407065.1); c.1704G>T, p.Arg568Ser (NM_001407066.1, NM_016418.5, NM_181825.3 and 1 more transcripts); and 2 more; short protein forms R485S, R568S, R390S, R523S, R527S, R530S, R491S, R526S.
Identifiers: ClinVar variation 1778421 (VCV001778421.3), dbSNP rs2518736052, ClinGen allele CA411150422.